The following is an entry in ClinVar:

ClinVar aggregate classification (germline): Uncertain significance (1 of 4 stars; one submission).

Submission:

Labcorp Genetics (formerly Invitae), Labcorp
Classification: Uncertain significance. Last evaluated: 2025-11-27. Review status: criteria provided, single submitter. Criteria: Invitae Variant Classification Sherloc (09022015). Collection method: clinical testing. Allele origin: germline.
Comment: This sequence change replaces glycine, which is neutral and non-polar, with serine, which is neutral and polar, at codon 379 of the MESP2 protein (p.Gly379Ser). This variant is not present in population databases (gnomAD no frequency). This variant has not been reported in the literature in individuals affected with MESP2-related conditions. An algorithm developed to predict the effect of missense changes on protein structure and function outputs the following: PolyPhen-2: "Benign". The serine amino acid residue is found in multiple mammalian species, which suggests that this missense change does not adversely affect protein function. In summary, the available evidence is currently insufficient to determine the role of this variant in disease. Therefore, it has been classified as a Variant of Uncertain Significance.

NM_001039958.2(MESP2):c.1135G>A (p.Gly379Ser)

Gene: MESP2 (mesoderm posterior bHLH transcription factor 2; plus strand). Cytogenetic location: 15q26.1.
Variant type: single nucleotide variant.
Coding change: c.1135G>A on transcript NM_001039958.2 (MANE Select); coding-DNA position 1135, G replaced by A.
Protein change: p.Gly379Ser; replaces glycine 379 with serine.
Molecular consequence: missense variant.
Genome position (GRCh38, 1-based): chr15:89,778,275, G>A. VCF-style: chr15-89778275-G-A. GRCh37 (hg19) VCF-style: chr15-90321506-G-A.
Other names: short protein forms G379S.
Identifiers: ClinVar variation 4807342 (VCV004807342.1).